The following is an entry in ClinVar:

ClinVar aggregate classification (germline): Uncertain significance (1 of 4 stars; one submission).

Allele frequency attached by ClinVar (database versions not stated): gnomAD exomes below 0.00001; ExAC 0.00001; gnomAD 0.00001.
gnomAD v4.1: 8 of 1,605,288 alleles (0.0005%); highest among the groups gnomAD compares: South Asian, 0.0011%; no homozygotes.

Submission:

CeGaT Center for Human Genetics Tuebingen
Classification: Uncertain significance. Last evaluated: 2023-10-01. Review status: criteria provided, single submitter. Criteria: CeGaT Center For Human Genetics Tuebingen Variant Classification Criteria Version 2. Collection method: clinical testing. Allele origin: germline. Affected: yes. Observed: 1 variant allele.
Comment: SPG7: PM2, PM3

NM_003119.4(SPG7):c.1652G>A (p.Arg551His)

Gene: SPG7 (SPG7 matrix AAA peptidase subunit, paraplegin; plus strand). Cytogenetic location: 16q24.3.
Variant type: single nucleotide variant.
Coding change: c.1652G>A on transcript NM_003119.4 (MANE Select); coding-DNA position 1652, G replaced by A.
Protein change: p.Arg551His; replaces arginine 551 with histidine.
Molecular consequence: missense variant.
Genome position (GRCh38, 1-based): chr16:89,548,102, G>A. VCF-style: chr16-89548102-G-A. GRCh37 (hg19) VCF-style: chr16-89614510-G-A.
Other names: c.1652G>A, p.Arg551His (NM_001363850.1); short protein forms R551H.
Identifiers: ClinVar variation 2647111 (VCV002647111.24), dbSNP rs761552945, ClinGen allele CA8244297.